The following is an entry in ClinVar:

NM_001845.6(COL4A1):c.4067A>G (p.Lys1356Arg)

Gene: COL4A1 (collagen type IV alpha 1 chain; minus strand). Cytogenetic location: 13q34.
Variant type: single nucleotide variant.
Coding change: c.4067A>G on transcript NM_001845.6 (MANE Select); coding-DNA position 4067, A replaced by G.
Protein change: p.Lys1356Arg; replaces lysine 1356 with arginine.
Molecular consequence: missense variant.
Genome position (GRCh38, 1-based): chr13:110,164,945, T>C on the plus strand (A>G on the coding strand, the complement: COL4A1 is on the minus strand). VCF-style: chr13-110164945-T-C. GRCh37 (hg19) VCF-style: chr13-110817292-T-C.
Other names: short protein forms K1356R.
Identifiers: ClinVar variation 2711748 (VCV002711748.3), dbSNP rs773104949, ClinGen allele CA7047026.
Genomic context (GRCh38, chr13:110,164,945, plus strand): 5'-AGTCCCTGAAGCCCTTTCAGCCCTGGGGGGCCCTCAGGACCAGGGAGCCCGGGCTCCCCT[T>C]TGATGATGTCGTAAGGACCTGGGGGGCCAGGAGGACCCGGGAGACCTGTGGGAATAGGGA-3'
Protein context (NP_001836.3, residues 1346-1366): PGPPGPYDII[Lys1356Arg]GEPGLPGPEG

ClinVar aggregate classification (germline): Uncertain significance (1 of 4 stars; one submission).

Allele frequency attached by ClinVar (database versions not stated): ExAC 0.00001; gnomAD 0.00001.
gnomAD v4.1: 16 of 1,605,084 alleles (0.001%); highest among the groups gnomAD compares: South Asian, 0.009%; no homozygotes.

Submission:

Labcorp Genetics (formerly Invitae), Labcorp
Classification: Uncertain significance. Last evaluated: 2023-09-14. Review status: criteria provided, single submitter. Criteria: Invitae Variant Classification Sherloc (09022015). Collection method: clinical testing. Allele origin: germline.
Comment: This variant is present in population databases (rs773104949, gnomAD 0.001%). In summary, the available evidence is currently insufficient to determine the role of this variant in disease. Therefore, it has been classified as a Variant of Uncertain Significance. An algorithm developed to predict the effect of missense changes on protein structure and function (PolyPhen-2) suggests that this variant is likely to be disruptive. This variant has not been reported in the literature in individuals affected with COL4A1-related conditions. This sequence change replaces lysine, which is basic and polar, with arginine, which is basic and polar, at codon 1356 of the COL4A1 protein (p.Lys1356Arg).